The following is an entry in ClinVar:

ClinVar aggregate classification (germline): Uncertain significance (1 of 4 stars; one submission).

Conditions:
Cardiovascular phenotype. Identifiers: MedGen CN230736.

Allele frequency attached by ClinVar (database versions not stated): gnomAD exomes below 0.00001.
gnomAD v4.1: 2 of 1,614,180 alleles (0.00012%); highest among the groups gnomAD compares: Non-Finnish European, 0.00017%; no homozygotes.

Submission:

Ambry Genetics
Classification: Uncertain significance for Cardiovascular phenotype. Last evaluated: 2021-12-03. Review status: criteria provided, single submitter. Criteria: Ambry Variant Classification Scheme 2023. Collection method: clinical testing. Allele origin: germline.
Comment: The p.E445A variant (also known as c.1334A>C), located in coding exon 10 of the SOS2 gene, results from an A to C substitution at nucleotide position 1334. The glutamic acid at codon 445 is replaced by alanine, an amino acid with dissimilar properties. This amino acid position is conserved. In addition, this alteration is predicted to be deleterious by in silico analysis. Since supporting evidence is limited at this time, the clinical significance of this alteration remains unclear.

NM_006939.4(SOS2):c.1334A>C (p.Glu445Ala)

Gene: SOS2 (SOS Ras/Rho guanine nucleotide exchange factor 2; minus strand). Cytogenetic location: 14q21.3.
Variant type: single nucleotide variant.
Coding change: c.1334A>C on transcript NM_006939.4 (MANE Select); coding-DNA position 1334, A replaced by C.
Protein change: p.Glu445Ala; replaces glutamic acid 445 with alanine.
Molecular consequence: missense variant.
Genome position (GRCh38, 1-based): chr14:50,159,949, T>G on the plus strand (A>C on the coding strand, the complement: SOS2 is on the minus strand). VCF-style: chr14-50159949-T-G. GRCh37 (hg19) VCF-style: chr14-50626667-T-G.
Other names: c.1235A>C, p.Glu412Ala (NM_001411020.1); short protein forms E412A, E445A.
Identifiers: ClinVar variation 1770211 (VCV001770211.2), dbSNP rs2502991435, ClinGen allele CA389646019.